The following is an entry in ClinVar:

ClinVar aggregate classification (germline): Uncertain significance. Review status: criteria provided, multiple submitters, no conflicts (2 of 4 stars). 2 submissions from 2 submitters: Uncertain significance (2). Last evaluated 2026-04-13.

Conditions:
GUCY2D-related disorder. Also called: GUCY2D-related condition.
Leber congenital amaurosis 1 (LCA1). Also called: Congenital absence of the rods and cones; Leber's congenital tapetoretinal degeneration; Leber's congenital tapetoretinal dysplasia; AMAUROSIS CONGENITA OF LEBER I; RETINAL BLINDNESS, CONGENITAL. Identifiers: Orphanet 65, MedGen C2931258, MONDO:0008764, OMIM 204000.
Cone-rod dystrophy 6 (CORD6). Also called: Cone dystrophy progressive; RETINAL CONE DYSTROPHY 2. Identifiers: Orphanet 1872, MedGen C1866293, MONDO:0011143, OMIM 601777.

Allele frequency attached by ClinVar (database versions not stated): ExAC 0.00002; gnomAD 0.00003 and 0.00004; TOPMed 0.00006; ESP Exome Variant Server 0.00015.
gnomAD v4.1: 26 of 1,612,612 alleles (0.0016%); highest among the groups gnomAD compares: Middle Eastern, 0.017%; no homozygotes.

Submissions (2):

PreventionGenetics, part of Exact Sciences
Classification: Uncertain significance for GUCY2D-related condition. Last evaluated: 2026-04-13. Review status: criteria provided, single submitter. Criteria: ACMG Guidelines, 2015. Collection method: clinical testing. Allele origin: germline.
Comment: The GUCY2D c.1288G>A variant is predicted to result in the amino acid substitution p.Ala430Thr. To our knowledge, this variant has not been reported in the literature. This variant is present in 0.016% of alleles in individuals of East Asian descent in gnomAD. At this time, the clinical significance of this variant is uncertain due to the absence of conclusive functional and genetic evidence.

Labcorp Genetics (formerly Invitae), Labcorp
Classification: Uncertain significance for Leber congenital amaurosis 1; Cone-rod dystrophy 6. Last evaluated: 2025-01-06. Review status: criteria provided, single submitter. Criteria: Invitae Variant Classification Sherloc (09022015). Collection method: clinical testing. Allele origin: germline.
Comment: This sequence change replaces alanine, which is neutral and non-polar, with threonine, which is neutral and polar, at codon 430 of the GUCY2D protein (p.Ala430Thr). This variant is present in population databases (rs147586061, gnomAD 0.02%). This missense change has been observed in individual(s) with clinical features of cone-rod dystrophy (internal data). ClinVar contains an entry for this variant (Variation ID: 1063807). Invitae Evidence Modeling of protein sequence and biophysical properties (such as structural, functional, and spatial information, amino acid conservation, physicochemical variation, residue mobility, and thermodynamic stability) indicates that this missense variant is not expected to disrupt GUCY2D protein function with a negative predictive value of 80%. In summary, the available evidence is currently insufficient to determine the role of this variant in disease. Therefore, it has been classified as a Variant of Uncertain Significance.

NM_000180.4(GUCY2D):c.1288G>A (p.Ala430Thr)

Gene: GUCY2D (guanylate cyclase 2D, retinal; plus strand). Cytogenetic location: 17p13.1.
Variant type: single nucleotide variant.
Coding change: c.1288G>A on transcript NM_000180.4 (MANE Select); coding-DNA position 1288, G replaced by A.
Protein change: p.Ala430Thr; replaces alanine 430 with threonine.
Molecular consequence: missense variant.
Genome position (GRCh38, 1-based): chr17:8,006,624, G>A. VCF-style: chr17-8006624-G-A. GRCh37 (hg19) VCF-style: chr17-7909942-G-A.
Other names: c.1288G>A (NM_000180.3); short protein forms A430T.
Identifiers: ClinVar variation 1063807 (VCV001063807.9), dbSNP rs147586061, ClinGen allele CA8365699.